The following is an entry in ClinVar:

NM_001130823.3(DNMT1):c.530G>C (p.Ser177Thr)

Gene: DNMT1 (DNA methyltransferase 1; minus strand). Cytogenetic location: 19p13.2.
Variant type: single nucleotide variant.
Coding change: c.530G>C on transcript NM_001130823.3 (MANE Select); coding-DNA position 530, G replaced by C.
Protein change: p.Ser177Thr; replaces serine 177 with threonine.
Molecular consequence: missense variant.
Genome position (GRCh38, 1-based): chr19:10,177,331, C>G on the plus strand (G>C on the coding strand, the complement: DNMT1 is on the minus strand). VCF-style: chr19-10177331-C-G. GRCh37 (hg19) VCF-style: chr19-10288007-C-G.
Other names: c.482G>C, p.Ser161Thr (NM_001318730.2, NM_001379.4); c.167G>C, p.Ser56Thr (NM_001318731.2); short protein forms S177T, S56T, S161T.
Identifiers: ClinVar variation 3660037 (VCV003660037.2).

ClinVar aggregate classification (germline): Uncertain significance (1 of 4 stars; one submission).

Conditions:
Hereditary sensory neuropathy-deafness-dementia syndrome. Also called: Hereditary sensory neuropathy type IE; HSN IE; NEUROPATHY, HEREDITARY SENSORY, WITH HEARING LOSS AND DEMENTIA; Hereditary Sensory and Autonomic Neuropathy Type 1E (HSAN1E). Identifiers: Orphanet 456318, MedGen C3279885, MONDO:0013584, OMIM 614116.

Submission:

Labcorp Genetics (formerly Invitae), Labcorp
Classification: Uncertain significance for Hereditary sensory neuropathy-deafness-dementia syndrome. Last evaluated: 2024-07-20. Review status: criteria provided, single submitter. Criteria: Invitae Variant Classification Sherloc (09022015). Collection method: clinical testing. Allele origin: germline.
Comment: This sequence change replaces serine, which is neutral and polar, with threonine, which is neutral and polar, at codon 177 of the DNMT1 protein (p.Ser177Thr). This variant is not present in population databases (gnomAD no frequency). This variant has not been reported in the literature in individuals affected with DNMT1-related conditions. An algorithm developed to predict the effect of missense changes on protein structure and function outputs the following: PolyPhen-2: "Benign". The threonine amino acid residue is found in multiple mammalian species, which suggests that this missense change does not adversely affect protein function. In summary, the available evidence is currently insufficient to determine the role of this variant in disease. Therefore, it has been classified as a Variant of Uncertain Significance.